The following is an entry in ClinVar:

NM_006828.4(ASCC3):c.3631C>T (p.Gln1211Ter)

Gene: ASCC3 (activating signal cointegrator 1 complex subunit 3; minus strand). Cytogenetic location: 6q16.3.
Variant type: single nucleotide variant.
Coding change: c.3631C>T on transcript NM_006828.4 (MANE Select); coding-DNA position 3631, C replaced by T.
Protein change: p.Gln1211Ter; replaces glutamine 1211 with a stop codon.
Molecular consequence: nonsense.
Genome position (GRCh38, 1-based): chr6:100,646,617, G>A on the plus strand (C>T on the coding strand, the complement: ASCC3 is on the minus strand). VCF-style: chr6-100646617-G-A. GRCh37 (hg19) VCF-style: chr6-101094493-G-A.
Other names: c.3631C>T (NM_006828.3); short protein forms Q1211*.
Identifiers: ClinVar variation 2691806 (VCV002691806.3), dbSNP rs372947820, ClinGen allele CA3938293.

ClinVar aggregate classification (germline): Likely pathogenic. Review status: criteria provided, single submitter (1 of 4 stars). 2 submissions from 2 submitters: Likely pathogenic (1). 1 of the submissions does not count toward it. Last evaluated 2026-03-09.

Conditions:
Intellectual developmental disorder, autosomal recessive 81 (MRT81). Identifiers: MedGen C5882758, MONDO:0958204, OMIM 620700.
ASCC3-related condition.

Allele frequency attached by ClinVar (database versions not stated): ExAC 0.00002; gnomAD 0.00003; gnomAD exomes 0.00003; TOPMed 0.00004; ESP Exome Variant Server 0.00008.
gnomAD v4.1: 56 of 1,613,874 alleles (0.0035%); highest among the groups gnomAD compares: Non-Finnish European, 0.0043%; no homozygotes.

Submissions (2):

PreventionGenetics, part of Exact Sciences
Classification: Likely pathogenic for ASCC3-related condition. Last evaluated: 2026-03-09. Review status: criteria provided, single submitter. Criteria: ACMG Guidelines, 2015. Collection method: clinical testing. Allele origin: germline.
Comment: The ASCC3 c.3631C>T variant is predicted to result in premature protein termination (p.Gln1211*). This variant has been reported in the compound heterozygous state in an individual with neuromuscular syndrome (Table S1, Nair et al. 2021. PubMed ID: 35047834). This variant is reported in 0.0062% of alleles in individuals of African descent in gnomAD. Nonsense variants in ASCC3 are expected to be pathogenic. This variant is interpreted as likely pathogenic.

OMIM
Classification: Pathogenic for INTELLECTUAL DEVELOPMENTAL DISORDER, AUTOSOMAL RECESSIVE 81. Last evaluated: 2024-02-02. Review status: no assertion criteria provided. Collection method: literature only. Allele origin: germline. Not counted in ClinVar's aggregate classification.

Literature cited by the submitters: PubMed 35047834 (cited by OMIM).